The following is an entry in ClinVar:

ClinVar aggregate classification (germline): Uncertain significance (1 of 4 stars; one submission).

Conditions:
Inclusion body myopathy with early-onset Paget disease with or without frontotemporal dementia 2 (IBMPFD2). Also called: MULTISYSTEM PROTEINOPATHY 2. Identifiers: MedGen C3809468, MONDO:0014178, OMIM 615422.

Allele frequency attached by ClinVar (database versions not stated): gnomAD exomes below 0.00001.
gnomAD v4.1: 1 of 1,614,050 alleles (0.000062%); highest among the groups gnomAD compares: Non-Finnish European, 0.000085%; no homozygotes.

Submission:

Labcorp Genetics (formerly Invitae), Labcorp
Classification: Uncertain significance for Inclusion body myopathy with early-onset Paget disease with or without frontotemporal dementia 2. Last evaluated: 2022-01-14. Review status: criteria provided, single submitter. Criteria: Invitae Variant Classification Sherloc (09022015). Collection method: clinical testing. Allele origin: germline.
Comment: ClinVar contains an entry for this variant (Variation ID: 1021688). This variant has not been reported in the literature in individuals affected with HNRNPA2B1-related conditions. This variant is present in population databases (no rsID available, gnomAD 0.0009%). This sequence change replaces asparagine, which is neutral and polar, with aspartic acid, which is acidic and polar, at codon 181 of the HNRNPA2B1 protein (p.Asn181Asp). Algorithms developed to predict the effect of missense changes on protein structure and function are either unavailable or do not agree on the potential impact of this missense change (SIFT: "Deleterious"; PolyPhen-2: "Not Available"; Align-GVGD: "Class C15"). In summary, the available evidence is currently insufficient to determine the role of this variant in disease. Therefore, it has been classified as a Variant of Uncertain Significance.

NM_002137.4(HNRNPA2B1):c.505A>G (p.Asn169Asp)

Gene: HNRNPA2B1 (heterogeneous nuclear ribonucleoprotein A2/B1; minus strand). Cytogenetic location: 7p15.2.
Variant type: single nucleotide variant.
Coding change: c.505A>G on transcript NM_002137.4 (MANE Select); coding-DNA position 505, A replaced by G.
Protein change: p.Asn169Asp; replaces asparagine 169 with aspartic acid.
Molecular consequence: missense variant.
Genome position (GRCh38, 1-based): chr7:26,196,629, T>C on the plus strand (A>G on the coding strand, the complement: HNRNPA2B1 is on the minus strand). VCF-style: chr7-26196629-T-C. GRCh37 (hg19) VCF-style: chr7-26236249-T-C.
Other names: c.541A>G, p.Asn181Asp (NM_031243.4); short protein forms N169D, N181D.
Identifiers: ClinVar variation 1021688 (VCV001021688.8), dbSNP rs1353165662, ClinGen allele CA367079238.